The following is an entry in ClinVar:

NM_001034853.2(RPGR):c.2878G>T (p.Glu960Ter)

Gene: RPGR (retinitis pigmentosa GTPase regulator; minus strand). Cytogenetic location: Xp11.4.
Variant type: single nucleotide variant.
Coding change: c.2878G>T on transcript NM_001034853.2 (MANE Select); coding-DNA position 2878, G replaced by T.
Protein change: p.Glu960Ter; replaces glutamic acid 960 with a stop codon.
Molecular consequence: nonsense. On other transcripts: intron variant (8).
Genome position (GRCh38, 1-based): chrX:38,286,121, C>A on the plus strand (G>T on the coding strand, the complement: RPGR is on the minus strand). VCF-style: chrX-38286121-C-A. GRCh37 (hg19) VCF-style: chrX-38145374-C-A.
Other names: c.1569+4838G>T (NM_001367249.1, NM_001367250.1); c.1902+973G>T (NM_001367245.1); c.1386+4838G>T (NM_001367251.1); c.1719+973G>T (NM_001367246.1); c.1572+4838G>T (NM_001367247.1); c.1905+973G>T (NM_000328.3); c.1602+4838G>T (NM_001367248.1); short protein forms E960*.
Identifiers: ClinVar variation 2820788 (VCV002820788.4), dbSNP rs2519785746, ClinGen allele CA412729559.

ClinVar aggregate classification (germline): Pathogenic/Likely pathogenic. Review status: criteria provided, multiple submitters, no conflicts (2 of 4 stars). 2 submissions from 2 submitters: Pathogenic (1); Likely pathogenic (1). Last evaluated 2025-08-13.

Conditions:
RPGR-related disorder. Also called: RPGR-related condition.
Primary ciliary dyskinesia. Also called: Ciliary dyskinesia. Identifiers: Orphanet 244, MedGen C0008780, MONDO:0016575, HP:0012265.

Submissions (2):

Labcorp Genetics (formerly Invitae), Labcorp
Classification: Pathogenic for Primary ciliary dyskinesia. Last evaluated: 2025-08-13. Review status: criteria provided, single submitter. Criteria: Invitae Variant Classification Sherloc (09022015). Collection method: clinical testing. Allele origin: germline.
Comment: This sequence change creates a premature translational stop signal (p.Glu960*) in the RPGR (ORF15) gene. While this is not anticipated to result in nonsense mediated decay, it is expected to disrupt the last 193 amino acid(s) of the RPGR (ORF15) protein. This variant is not present in population databases (gnomAD no frequency). This variant has not been reported in the literature in individuals affected with RPGR (ORF15)-related conditions. ClinVar contains an entry for this variant (Variation ID: 2820788). This variant disrupts a region of the RPGR (ORF15) protein in which other variant(s) (p.Leu1130Lysfs*13) have been determined to be pathogenic (PMID: 22264887; internal data). This suggests that this is a clinically significant region of the protein, and that variants that disrupt it are likely to be disease-causing. For these reasons, this variant has been classified as Pathogenic.

Blueprint Genetics
Classification: Likely pathogenic for RPGR-related disorders. Last evaluated: 2024-09-20. Review status: criteria provided, single submitter. Criteria: ACMG Guidelines, 2015. Collection method: clinical testing. Allele origin: germline. Affected: yes. Observed: 2 variant alleles.

Literature cited by the submitters: PubMed 22264887 (cited by Labcorp Genetics (formerly Invitae), Labcorp).